The following is an entry in ClinVar:

ClinVar aggregate classification (germline): Pathogenic (1 of 4 stars; one submission).

Allele frequency attached by ClinVar (database versions not stated): TOPMed below 0.00001.

Submission:

Labcorp Genetics (formerly Invitae), Labcorp
Classification: Pathogenic. Last evaluated: 2026-01-18. Review status: criteria provided, single submitter. Criteria: Invitae Variant Classification Sherloc (09022015). Collection method: clinical testing. Allele origin: germline.
Comment: This sequence change creates a premature translational stop signal (p.Tyr525Thrfs*50) in the PDE6B gene. It is expected to result in an absent or disrupted protein product. Loss-of-function variants in PDE6B are known to be pathogenic (PMID: 8394174, 8595886, 22334370). This variant is not present in population databases (gnomAD no frequency). This premature translational stop signal has been observed in individual(s) with autosomal recessive retinitis pigmentosa (PMID: 30902645, 33302505). ClinVar contains an entry for this variant (Variation ID: 1916250). Algorithms developed to predict the effect of sequence changes on RNA splicing suggest that this variant may disrupt the consensus splice site. For these reasons, this variant has been classified as Pathogenic.

Literature cited by the submitters: PubMed 8394174; PubMed 8595886; PubMed 22334370; PubMed 30902645; PubMed 33302505.

NM_000283.4(PDE6B):c.1572del (p.Tyr525fs)

Gene: PDE6B (phosphodiesterase 6B; plus strand). Cytogenetic location: 4p16.3.
Variant type: Deletion.
Coding change: c.1572del on transcript NM_000283.4 (MANE Select); coding-DNA position 1572, one base deleted (C; older notation c.1572delC).
Protein change: p.Tyr525fs; shifts the reading frame from tyrosine 525.
Molecular consequence: frameshift variant.
Genome position (GRCh38, 1-based): chr4:660,571, C deleted. VCF-style (leftmost placement, unchanged base first): chr4-660570-AC-A. GRCh37 (hg19) VCF-style: chr4-654359-AC-A.
Other names: c.1572del, p.Tyr525fs (NM_001145291.2); c.735del, p.Tyr246fs (NM_001145292.2, NM_001350154.3, NM_001379246.1 and 1 more transcripts); c.417del, p.Tyr140fs (NM_001350155.3); short protein forms Y140fs, Y525fs, Y246fs.
Identifiers: ClinVar variation 1916250 (VCV001916250.5), dbSNP rs1736947312, ClinGen allele CA1432855356.